The following is an entry in ClinVar:

ClinVar aggregate classification (germline): Uncertain significance. Review status: criteria provided, multiple submitters, no conflicts (2 of 4 stars). 4 submissions from 4 submitters: Uncertain significance (4). Last evaluated 2026-02-02.

Conditions:
Hereditary cancer-predisposing syndrome. Also called: Tumor predisposition; Neoplastic Syndromes, Hereditary; Hereditary Cancer Syndrome; Hereditary neoplastic syndrome. Identifiers: Orphanet 140162, MedGen C0027672, MeSH D009386, MONDO:0015356.
Familial adenomatous polyposis 3. Also called: NTHL1-Related Adenomatous Polyposis and Colorectal Cancer; NTHL1-associated polyposis; NTHL1-related attenuated familial adenomatous polyposis; NTHL1 Tumor Syndrome. Identifiers: Orphanet 220460, Orphanet 454840, MedGen C4225157, MONDO:0014630, OMIM 616415.

Allele frequency attached by ClinVar (database versions not stated): gnomAD exomes below 0.00001 and 0.00005; TOPMed 0.00005; ExAC 0.00006.
gnomAD v4.1: 6 of 1,612,276 alleles (0.00037%); highest among the groups gnomAD compares: East Asian, 0.013%; no homozygotes.

Submissions (4):

Labcorp Genetics (formerly Invitae), Labcorp
Classification: Uncertain significance. Last evaluated: 2026-02-02. Review status: criteria provided, single submitter. Criteria: Invitae Variant Classification Sherloc (09022015). Collection method: clinical testing. Allele origin: germline.
Comment: This sequence change replaces glycine, which is neutral and non-polar, with serine, which is neutral and polar, at codon 149 of the NTHL1 protein (p.Gly149Ser). This variant is present in population databases (rs762393763, gnomAD 0.06%). This variant has not been reported in the literature in individuals affected with NTHL1-related conditions. ClinVar contains an entry for this variant (Variation ID: 659434). An algorithm developed to predict the effect of missense changes on protein structure and function (PolyPhen-2) suggests that this variant is likely to be tolerated. In summary, the available evidence is currently insufficient to determine the role of this variant in disease. Therefore, it has been classified as a Variant of Uncertain Significance.

Ambry Genetics
Classification: Uncertain significance for Hereditary cancer-predisposing syndrome. Last evaluated: 2024-09-25. Review status: criteria provided, single submitter. Criteria: Ambry Variant Classification Scheme 2023. Collection method: clinical testing. Allele origin: germline.
Comment: The p.G149S variant (also known as c.445G>A), located in coding exon 3 of the NTHL1 gene, results from a G to A substitution at nucleotide position 445. The glycine at codon 149 is replaced by serine, an amino acid with similar properties. This amino acid position is not well conserved in available vertebrate species. In addition, this alteration is predicted to be tolerated by in silico analysis. Since supporting evidence is limited at this time, the clinical significance of this alteration remains unclear.

Baylor Genetics
Classification: Uncertain significance for Familial adenomatous polyposis 3. Last evaluated: 2024-03-22. Review status: criteria provided, single submitter. Criteria: ACMG Guidelines, 2015. Collection method: clinical testing. Allele origin: unknown.

GeneDx
Classification: Uncertain significance. Last evaluated: 2019-12-23. Review status: criteria provided, single submitter. Criteria: GeneDx Variant Classification Process June 2021. Collection method: clinical testing. Allele origin: germline. Affected: yes.
Comment: In silico analysis, which includes protein predictors and evolutionary conservation, supports that this variant does not alter protein structure/function; Has not been previously published as pathogenic or benign to our knowledge

NM_002528.7(NTHL1):c.421G>A (p.Gly141Ser)

Gene: NTHL1 (nth like DNA glycosylase 1; minus strand). Cytogenetic location: 16p13.3.
Variant type: single nucleotide variant.
Coding change: c.421G>A on transcript NM_002528.7 (MANE Select); coding-DNA position 421, G replaced by A.
Protein change: p.Gly141Ser; replaces glycine 141 with serine.
Molecular consequence: missense variant. On other transcripts: intron variant (1).
Genome position (GRCh38, 1-based): chr16:2,044,734, C>T on the plus strand (G>A on the coding strand, the complement: NTHL1 is on the minus strand). VCF-style: chr16-2044734-C-T. GRCh37 (hg19) VCF-style: chr16-2094735-C-T.
Other names: c.421G>A, p.Gly141Ser (LRG_1366t1); c.91G>A, p.Gly31Ser (NM_001318194.2); c.355-1008G>A (NM_001318193.2); short protein forms G31S, G141S.
Identifiers: ClinVar variation 659434 (VCV000659434.14), dbSNP rs762393763, ClinGen allele CA7828266.